The following is an entry in ClinVar:

ClinVar aggregate classification (germline): Likely benign. Review status: criteria provided, multiple submitters, no conflicts (2 of 4 stars). 13 submissions from 11 submitters: Likely benign (13). Last evaluated 2026-01-18.

Conditions:
TNNT2-related disorder. Also called: TNNT2-related condition.
Cardiovascular phenotype. Identifiers: MedGen CN230736.
Dilated cardiomyopathy 1D. Identifiers: Orphanet 154, Orphanet 54260, MedGen C1832243, MONDO:0011095, OMIM 601494.
Cardiomyopathy, familial restrictive, 3. Identifiers: Orphanet 75249, MedGen C2676271, MONDO:0012900, OMIM 612422.
Hypertrophic cardiomyopathy 2. Also called: TNNT2-Related Familial Hypertrophic Cardiomyopathy. Identifiers: MedGen C1861864, MONDO:0007266, OMIM 115195.
Cardiomyopathy (CMYO). Also called: Cardiomyopathies. Identifiers: Orphanet 167848, MedGen C0878544, MONDO:0004994, HP:0001638. Inheritance: Various modes of inheritance.

Allele frequency attached by ClinVar (database versions not stated): ExAC 0.00003; gnomAD 0.00004; gnomAD exomes 0.00006 and 0.00013; TOPMed 0.00006.
gnomAD v4.1: 92 of 1,610,668 alleles (0.0057%); highest among the groups gnomAD compares: East Asian, 0.08%; no homozygotes.

Submissions (13):

Labcorp Genetics (formerly Invitae), Labcorp
Classification: Likely benign for Cardiomyopathy, familial restrictive, 3; Hypertrophic cardiomyopathy 2; Dilated cardiomyopathy 1D. Last evaluated: 2026-01-18. Review status: criteria provided, single submitter. Criteria: Invitae Variant Classification Sherloc (09022015). Collection method: clinical testing. Allele origin: germline.

Molecular Diagnostic Laboratory for Inherited Cardiovascular Disease, Montreal Heart Institute
Classification: Likely benign. Last evaluated: 2025-04-09. Review status: criteria provided, single submitter. Criteria: ACMG Guidelines, 2015. Collection method: clinical testing. Allele origin: germline. Affected: no.

PreventionGenetics, part of Exact Sciences
Classification: Likely benign for TNNT2-related condition. Last evaluated: 2025-03-25. Review status: criteria provided, single submitter. Criteria: ACMG Guidelines, 2015. Collection method: clinical testing. Allele origin: germline.
Comment: This variant is classified as likely benign based on ACMG/AMP sequence variant interpretation guidelines (Richards et al. 2015 PMID: 25741868, with internal and published modifications).

Blueprint Genetics
Classification: Likely benign. Last evaluated: 2024-10-11. Review status: criteria provided, single submitter. Criteria: ACMG Guidelines, 2015. Collection method: clinical testing. Allele origin: germline.

All of Us Research Program, National Institutes of Health
Classification: Likely benign for Cardiomyopathy. Last evaluated: 2023-12-18. Review status: criteria provided, single submitter. Criteria: ACMG Guidelines, 2015. Collection method: clinical testing. Allele origin: germline. Inheritance: Autosomal dominant inheritance. Observed: 18 variant alleles, 18 heterozygotes.
Comment: This study involves interpretation of variants in research participants for the purpose of population health screening. Participant phenotype was not available at the time of variant classification. Additional details can be found in publication PMID: 35346344, PMCID: PMC8962531

Genome-Nilou Lab
Classification: Likely benign for Dilated cardiomyopathy 1D. Last evaluated: 2023-04-11. Review status: criteria provided, single submitter. Criteria: ACMG Guidelines, 2015. Collection method: clinical testing. Allele origin: germline. Affected: no.

Genome-Nilou Lab
Classification: Likely benign for Cardiomyopathy, familial restrictive, 3. Last evaluated: 2023-04-11. Review status: criteria provided, single submitter. Criteria: ACMG Guidelines, 2015. Collection method: clinical testing. Allele origin: germline. Affected: no.

Genome-Nilou Lab
Classification: Likely benign for Hypertrophic cardiomyopathy 2. Last evaluated: 2023-04-11. Review status: criteria provided, single submitter. Criteria: ACMG Guidelines, 2015. Collection method: clinical testing. Allele origin: germline. Affected: no.

Women's Health and Genetics/Laboratory Corporation of America, LabCorp
Classification: Likely benign. Last evaluated: 2022-05-23. Review status: criteria provided, single submitter. Criteria: LabCorp Variant Classification Summary - May 2015. Collection method: clinical testing. Allele origin: germline.

GeneDx
Classification: Likely benign. Last evaluated: 2021-03-16. Review status: criteria provided, single submitter. Criteria: GeneDx Variant Classification Process June 2021. Collection method: clinical testing. Allele origin: germline. Affected: yes.
Comment: This variant is associated with the following publications: (PMID: 16858239)

Ambry Genetics
Classification: Likely benign for Cardiovascular phenotype. Last evaluated: 2019-08-08. Review status: criteria provided, single submitter. Criteria: Ambry Variant Classification Scheme 2023. Collection method: clinical testing. Allele origin: germline.

Color Diagnostics, LLC DBA Color Health
Classification: Likely benign for Cardiomyopathy. Last evaluated: 2019-04-20. Review status: criteria provided, single submitter. Criteria: ACMG Guidelines, 2015. Collection method: clinical testing. Allele origin: germline.

CHEO Genetics Diagnostic Laboratory, Children's Hospital of Eastern Ontario
Classification: Likely benign for Cardiomyopathy. Last evaluated: 2017-02-16. Review status: criteria provided, single submitter. Criteria: ACMG Guidelines, 2015. Collection method: clinical testing. Allele origin: germline. Study: Canadian Open Genetics Repository.

NM_001276345.2(TNNT2):c.882C>T (p.Thr294=)

Gene: TNNT2 (troponin T2, cardiac type; minus strand). Cytogenetic location: 1q32.1.
Variant type: single nucleotide variant.
Coding change: c.882C>T on transcript NM_001276345.2 (MANE Select); coding-DNA position 882, C replaced by T.
Protein change: p.Thr294=; no amino-acid change (threonine 294 retained).
Molecular consequence: synonymous variant.
Genome position (GRCh38, 1-based): chr1:201,359,225, G>A on the plus strand (C>T on the coding strand, the complement: TNNT2 is on the minus strand). VCF-style: chr1-201359225-G-A. GRCh37 (hg19) VCF-style: chr1-201328353-G-A.
Other names: c.873C>T, p.Thr291= (NM_000364.4); c.852C>T, p.Thr284= (NM_001001430.3, NM_001276347.2); c.843C>T, p.Thr281= (NM_001001431.3); c.834C>T, p.Thr278= (NM_001001432.3); c.753C>T, p.Thr251= (NM_001276346.2).
Identifiers: ClinVar variation 388233 (VCV000388233.23), dbSNP rs45465693, ClinGen allele CA088865.